The following is an entry in ClinVar:

NM_003073.5(SMARCB1):c.362+3A>G

Gene: SMARCB1 (SWI/SNF related BAF chromatin remodeling complex subunit B1; plus strand). Cytogenetic location: 22q11.23.
Variant type: single nucleotide variant.
Coding change: c.362+3A>G on transcript NM_003073.5 (MANE Select); 3 bases into the intron after coding-DNA position 362, A replaced by G.
Molecular consequence: intron variant.
Genome position (GRCh38, 1-based): chr22:23,793,691, A>G. VCF-style: chr22-23793691-A-G. GRCh37 (hg19) VCF-style: chr22-24135878-A-G.
Other names: c.362+3A>G (NM_003073.3, NM_001362877.2); c.335+3A>G (NM_001317946.2, NM_001007468.3).
Identifiers: ClinVar variation 4705883 (VCV004705883.2).
Genomic context (GRCh38, chr22:23,793,691, plus strand): 5'-GCAACGATGAGAAGTACAAGGCTGTGTCCATCAGCACAGAGCCCCCCACCTACCTCAGGT[A>G]ATGCGTTCCTGGCCAGGGCATCTCTGGGGACACCTGTGGGGTCTTTTCTGAGACTCAAGA-3'

ClinVar aggregate classification (germline): Uncertain significance. Review status: criteria provided, multiple submitters, no conflicts (2 of 4 stars). 2 submissions from 2 submitters: Uncertain significance (2). Last evaluated 2026-01-21.

Conditions:
Hereditary cancer-predisposing syndrome. Also called: Neoplastic Syndromes, Hereditary; Tumor predisposition; Hereditary Cancer Syndrome; Hereditary neoplastic syndrome. Identifiers: Orphanet 140162, MedGen C0027672, MeSH D009386, MONDO:0015356.

Submissions (2):

Ambry Genetics
Classification: Uncertain significance for Hereditary cancer-predisposing syndrome. Last evaluated: 2026-01-21. Review status: criteria provided, single submitter. Criteria: Ambry Variant Classification Scheme 2023. Collection method: clinical testing. Allele origin: germline.
Comment: The c.362+3A>G intronic variant results from an A to G substitution 3 nucleotides after coding exon 3 in the SMARCB1 gene. This nucleotide position is well conserved in available vertebrate species. In silico splice site analysis predicts that this alteration will not have any significant effect on splicing. Based on the available evidence, the clinical significance of this variant remains unclear.

Labcorp Genetics (formerly Invitae), Labcorp
Classification: Uncertain significance. Last evaluated: 2026-01-08. Review status: criteria provided, single submitter. Criteria: Invitae Variant Classification Sherloc (09022015). Collection method: clinical testing. Allele origin: germline.
Comment: This sequence change falls in intron 3 of the SMARCB1 gene. It does not directly change the encoded amino acid sequence of the SMARCB1 protein. It affects a nucleotide within the consensus splice site. This variant is not present in population databases (gnomAD no frequency). This variant has not been reported in the literature in individuals affected with SMARCB1-related conditions. Variants that disrupt the consensus splice site are a relatively common cause of aberrant splicing (PMID: 17576681, 9536098). Studies have shown that this variant is associated with inconclusive levels of altered splicing (internal data). In summary, the available evidence is currently insufficient to determine the role of this variant in disease. Therefore, it has been classified as a Variant of Uncertain Significance.

Literature cited by the submitters: PubMed 17576681 (cited by Labcorp Genetics (formerly Invitae), Labcorp); PubMed 9536098 (cited by Labcorp Genetics (formerly Invitae), Labcorp).